The following is an entry in ClinVar:

NM_017617.5(NOTCH1):c.2588-4G>A

Gene: NOTCH1 (notch receptor 1; minus strand). Cytogenetic location: 9q34.3.
Variant type: single nucleotide variant.
Coding change: c.2588-4G>A on transcript NM_017617.5 (MANE Select); 4 bases into the intron before coding-DNA position 2588, G replaced by A.
Molecular consequence: intron variant.
Genome position (GRCh38, 1-based): chr9:136,510,809, C>T on the plus strand (G>A on the coding strand, the complement: NOTCH1 is on the minus strand). VCF-style: chr9-136510809-C-T. GRCh37 (hg19) VCF-style: chr9-139405261-C-T.
Other names: p.?; c.2588-4G>A (LRG_1122t1, NM_017617.4).
Identifiers: ClinVar variation 281108 (VCV000281108.29), dbSNP rs3125001, ClinGen allele CA5341232.
Genomic context (GRCh38, chr9:136,510,809, plus strand): 5'-CGCCGTGCCGGCACGGGCTCAGAACGCACTCGTTGATGTCGACCTCACAGGTCTGCCCTG[C>T]GGGGCAGGAGGAGGCCGGTTGGTCACCAGCGGCCCCTGGCCCTCCAGGCCCTTCCCAGGC-3'

ClinVar aggregate classification (germline): Benign. Review status: criteria provided, multiple submitters, no conflicts (2 of 4 stars). 14 submissions from 13 submitters: Benign (10). 4 of the submissions do not count toward it. Last evaluated 2026-02-04.

Conditions:
Adams-Oliver syndrome 5 (AOS5). Identifiers: Orphanet 974, MedGen C4014970, MONDO:0014459, OMIM 616028.
Familial thoracic aortic aneurysm and aortic dissection (TAAD). Also called: Thoracic aortic aneurysms and dissections. Identifiers: Orphanet 91387, MedGen C4707243, MONDO:0019625.
Aortic valve disease 1 (AOVD1). Identifiers: MedGen C3887892, MONDO:0024523, OMIM 109730.

Allele frequency attached by ClinVar (database versions not stated): 1000 Genomes Project 30x 0.58370; 1000 Genomes Project 0.58546; ESP Exome Variant Server 0.45492; gnomAD 0.48926 and 0.48952; TOPMed 0.50471.
gnomAD v4.1: 662,183 of 1,607,682 alleles (41%); highest among the groups gnomAD compares: East Asian, 83%; 145,459 homozygotes.

Submissions (14):

Labcorp Genetics (formerly Invitae), Labcorp
Classification: Benign for Adams-Oliver syndrome 5. Last evaluated: 2026-02-04. Review status: criteria provided, single submitter. Criteria: Invitae Variant Classification Sherloc (09022015). Collection method: clinical testing. Allele origin: germline.

Blueprint Genetics
Classification: Benign. Last evaluated: 2024-11-27. Review status: criteria provided, single submitter. Criteria: ACMG Guidelines, 2015. Collection method: clinical testing. Allele origin: germline.

Women's Health and Genetics/Laboratory Corporation of America, LabCorp
Classification: Benign. Last evaluated: 2023-04-04. Review status: criteria provided, single submitter. Criteria: LabCorp Variant Classification Summary - May 2015. Collection method: clinical testing. Allele origin: germline.

Genome-Nilou Lab
Classification: Benign for Adams-Oliver syndrome 5. Last evaluated: 2021-09-05. Review status: criteria provided, single submitter. Criteria: ACMG Guidelines, 2015. Collection method: clinical testing. Allele origin: germline. Affected: no.

Genome-Nilou Lab
Classification: Benign for Aortic valve disease 1. Last evaluated: 2021-09-05. Review status: criteria provided, single submitter. Criteria: ACMG Guidelines, 2015. Collection method: clinical testing. Allele origin: germline. Affected: no.

Mayo Clinic Laboratories, Mayo Clinic
Classification: Benign. Last evaluated: 2017-11-10. Review status: criteria provided, single submitter. Criteria: ACMG Guidelines, 2015. Collection method: clinical testing. Allele origin: germline. Observed: 1,022 variant alleles.

GeneDx
Classification: Benign. Last evaluated: 2016-09-22. Review status: criteria provided, single submitter. Criteria: GeneDx Variant Classification (06012015). Collection method: clinical testing. Allele origin: germline. Affected: yes.
Comment: This variant is considered likely benign or benign based on one or more of the following criteria: it is a conservative change, it occurs at a poorly conserved position in the protein, it is predicted to be benign by multiple in silico algorithms, and/or has population frequency not consistent with disease.

Eurofins Ntd Llc (ga)
Classification: Benign. Last evaluated: 2016-02-05. Review status: criteria provided, single submitter. Criteria: EGL Classification Definitions 2015. Collection method: clinical testing. Allele origin: germline. Observed: 23 variant alleles, 17 heterozygotes, 6 homozygotes.

Ambry Genetics
Classification: Benign for Familial thoracic aortic aneurysm and aortic dissection. Last evaluated: 2014-12-30. Review status: criteria provided, single submitter. Criteria: Ambry Variant Classification Scheme 2023. Collection method: clinical testing. Allele origin: germline.

Breakthrough Genomics
Classification: Benign. Review status: criteria provided, single submitter. Criteria: ACMG Guidelines, 2015. Collection method: not provided. Allele origin: germline. Inheritance: Autosomal dominant inheritance. Affected: yes.

Clinical Genetics, Academic Medical Center
Classification: Benign. Review status: no assertion criteria provided. Collection method: clinical testing. Allele origin: germline. Affected: yes. Study: VKGL Data-share Consensus. Not counted in ClinVar's aggregate classification.

Diagnostic Laboratory, Department of Genetics, University Medical Center Groningen
Classification: Benign for Aortic valve disease 1. Review status: no assertion criteria provided. Collection method: clinical testing. Allele origin: germline. Affected: yes. Study: VKGL Data-share Consensus. Not counted in ClinVar's aggregate classification.

Genome Diagnostics Laboratory, Amsterdam University Medical Center
Classification: Benign. Review status: no assertion criteria provided. Collection method: clinical testing. Allele origin: germline. Affected: yes. Study: VKGL Data-share Consensus. Not counted in ClinVar's aggregate classification.

Joint Genome Diagnostic Labs from Nijmegen and Maastricht, Radboudumc and MUMC+
Classification: Benign. Review status: no assertion criteria provided. Collection method: clinical testing. Allele origin: germline. Affected: yes. Study: VKGL Data-share Consensus. Not counted in ClinVar's aggregate classification.

Literature cited by the submitters: PubMed 16614245 (cited by Women's Health and Genetics/Laboratory Corporation of America, LabCorp); PubMed 19635999 (cited by Women's Health and Genetics/Laboratory Corporation of America, LabCorp); PubMed 19245433 (cited by Women's Health and Genetics/Laboratory Corporation of America, LabCorp); PubMed 22858860 (cited by Women's Health and Genetics/Laboratory Corporation of America, LabCorp).